The following is an entry in ClinVar:

ClinVar aggregate classification (germline): Uncertain significance (1 of 4 stars; one submission).

Conditions:
CEP164-related disorder. Also called: CEP164-related condition.

Submission:

PreventionGenetics, part of Exact Sciences
Classification: Uncertain significance for CEP164-related condition. Last evaluated: 2025-01-14. Review status: criteria provided, single submitter. Criteria: ACMG Guidelines, 2015. Collection method: clinical testing. Allele origin: germline.
Comment: The CEP164 c.2184G>C variant is predicted to result in the amino acid substitution p.Glu728Asp. To our knowledge, this variant has not been reported in the literature or in a large population database (gnomAD), indicating this variant is rare. At this time, the clinical significance of this variant is uncertain due to the absence of conclusive functional and genetic evidence.

NM_014956.5(CEP164):c.2184G>C (p.Glu728Asp)

Gene: CEP164 (centrosomal protein 164; plus strand). Cytogenetic location: 11q23.3.
Variant type: single nucleotide variant.
Coding change: c.2184G>C on transcript NM_014956.5 (MANE Select); coding-DNA position 2184, G replaced by C.
Protein change: p.Glu728Asp; replaces glutamic acid 728 with aspartic acid.
Molecular consequence: missense variant.
Genome position (GRCh38, 1-based): chr11:117,391,116, G>C. VCF-style: chr11-117391116-G-C. GRCh37 (hg19) VCF-style: chr11-117261832-G-C.
Other names: c.2193G>C, p.Glu731Asp (NM_001271933.2, NM_001440949.1); c.2184G>C, p.Glu728Asp (NM_001440950.1, NM_001440951.1, NM_001440953.1); c.2019G>C, p.Glu673Asp (NM_001440952.1, NM_001440968.1, NM_001440969.1); c.2106G>C, p.Glu702Asp (NM_001440954.1, NM_001440955.1, NM_001440958.1 and 1 more transcripts); c.2097G>C, p.Glu699Asp (NM_001440956.1, NM_001440957.1); c.2055G>C, p.Glu685Asp (NM_001440960.1); c.2046G>C, p.Glu682Asp (NM_001440961.1, NM_001440967.1); c.2037G>C, p.Glu679Asp (NM_001440962.1, NM_001440963.1, NM_001440964.1 and 4 more transcripts); and 7 more; short protein forms E653D, E682D, E685D, E728D, E609D, E632D, E603D, E658D.
Identifiers: ClinVar variation 4998935 (VCV004998935.1).
Genomic context (GRCh38, chr11:117,391,116, plus strand): 5'-GGCTGAGAGGGCCAGCTTGGAACAGAAAAATAGGCAAATGCTGGAGCAGCTCAAGGAAGA[G>C]ATAGAGGCTTCGGAGAAGAGCGAGCAGGCTGCCCTGAATGCTGCAAAGGAGAAGGCTCTG-3'
Protein context (NP_055771.4, residues 718-738): NRQMLEQLKE[Glu728Asp]IEASEKSEQA